The following is an entry in ClinVar:

NM_001292034.3(TAB2):c.998C>G (p.Pro333Arg)

Genes: TAB2 (TGF-beta activated kinase 1 (MAP3K7) binding protein 2; plus strand), LOC126859827 (BRD4-independent group 4 enhancer GRCh37_chr6:149699707-149700906; plus strand). Cytogenetic location: 6q25.1.
Variant type: single nucleotide variant.
Coding change: c.998C>G on transcript NM_001292034.3 (MANE Select); coding-DNA position 998, C replaced by G.
Protein change: p.Pro333Arg; replaces proline 333 with arginine.
Molecular consequence: missense variant.
Genome position (GRCh38, 1-based): chr6:149,378,913, C>G. VCF-style: chr6-149378913-C-G. GRCh37 (hg19) VCF-style: chr6-149700049-C-G.
Other names: c.902C>G, p.Pro301Arg (NM_001292035.3); c.998C>G, p.Pro333Arg (NM_001369506.1, NM_015093.6); short protein forms P301R, P333R.
Identifiers: ClinVar variation 1803715 (VCV001803715.3), dbSNP rs1398552106, ClinGen allele CA365997748.
Genomic context (GRCh38, chr6:149,378,913, plus strand): 5'-ACATTCAGAATATTTCAACAGGACCTCGAAAAAACCAGATTGAAATCAAACTTGAACCCC[C>G]ACAAAGAAATAATTCTTCAAAACTGCGTTCTTCTGGACCTCGAACCTCCAGCACTTCCTC-3'
Protein context (NP_001278963.1, residues 323-343): KNQIEIKLEP[Pro333Arg]QRNNSSKLRS

ClinVar aggregate classification (germline): Uncertain significance (1 of 4 stars; one submission).

Conditions:
TAB2-related syndrome.

Allele frequency attached by ClinVar (database versions not stated): TOPMed below 0.00001.

Submission:

Illumina Laboratory Services, Illumina
Classification: Uncertain significance for TAB2-related syndrome. Last evaluated: 2022-04-04. Review status: criteria provided, single submitter. Criteria: ICSLVariantClassificationCriteria RUGD 01 April 2020. Collection method: clinical testing. Allele origin: unknown.
Comment: The TAB2 c.998C>G (p.Pro333Arg) missense variant results in the substitution of proline at amino acid position 333 with arginine. To our knowledge, this variant has not been reported in the peer-reviewed literature. This variant is not found in version 2.1.1 or version 3.1.2 of the Genome Aggregation Database. Based on the available evidence, the c.998C>G (p.Pro333Arg) variant is classified as a variant of uncertain significance for TAB2-related syndrome.